The following is an entry in ClinVar:

ClinVar aggregate classification (germline): Uncertain significance (1 of 4 stars; one submission).

Conditions:
Hypertrophic cardiomyopathy 14. Identifiers: MedGen C2750467, MONDO:0013197, OMIM 613251.

Submission:

Labcorp Genetics (formerly Invitae), Labcorp
Classification: Uncertain significance for Hypertrophic cardiomyopathy 14. Last evaluated: 2025-09-20. Review status: criteria provided, single submitter. Criteria: Invitae Variant Classification Sherloc (09022015). Collection method: clinical testing. Allele origin: germline.
Comment: This sequence change replaces glutamine, which is neutral and polar, with histidine, which is basic and polar, at codon 1100 of the MYH6 protein (p.Gln1100His). This variant is not present in population databases (gnomAD no frequency). This variant has not been reported in the literature in individuals affected with MYH6-related conditions. Invitae Evidence Modeling of protein sequence and biophysical properties (such as structural, functional, and spatial information, amino acid conservation, physicochemical variation, residue mobility, and thermodynamic stability) indicates that this missense variant is not expected to disrupt MYH6 protein function with a negative predictive value of 80%. In summary, the available evidence is currently insufficient to determine the role of this variant in disease. Therefore, it has been classified as a Variant of Uncertain Significance.

NM_002471.4(MYH6):c.3300G>C (p.Gln1100His)

Gene: MYH6 (myosin heavy chain 6; minus strand). Cytogenetic location: 14q11.2.
Variant type: single nucleotide variant.
Coding change: c.3300G>C on transcript NM_002471.4 (MANE Select); coding-DNA position 3300, G replaced by C.
Protein change: p.Gln1100His; replaces glutamine 1100 with histidine.
Molecular consequence: missense variant.
Genome position (GRCh38, 1-based): chr14:23,392,604, C>G on the plus strand (G>C on the coding strand, the complement: MYH6 is on the minus strand). VCF-style: chr14-23392604-C-G. GRCh37 (hg19) VCF-style: chr14-23861813-C-G.
Other names: short protein forms Q1100H.
Identifiers: ClinVar variation 4807578 (VCV004807578.1).